The following is an entry in ClinVar:

NM_206933.4(USH2A):c.8357T>C (p.Phe2786Ser)

Gene: USH2A (usherin; minus strand). Cytogenetic location: 1q41.
Variant type: single nucleotide variant.
Coding change: c.8357T>C on transcript NM_206933.4 (MANE Select); coding-DNA position 8357, T replaced by C.
Protein change: p.Phe2786Ser; replaces phenylalanine 2786 with serine.
Molecular consequence: missense variant.
Genome position (GRCh38, 1-based): chr1:215,878,965, A>G on the plus strand (T>C on the coding strand, the complement: USH2A is on the minus strand). VCF-style: chr1-215878965-A-G. GRCh37 (hg19) VCF-style: chr1-216052307-A-G.
Other names: short protein forms F2786S.
Identifiers: ClinVar variation 48599 (VCV000048599.23), dbSNP rs111033262, ClinGen allele CA143625.
Genomic context (GRCh38, chr1:215,878,965, plus strand): 5'-CACCCTCCAAGGTACCCATTACCCCCTGAGCAAGCAACAATGGTGACAGAATAATTAGTG[A>G]AAGGAATCAGATGAGTAACTTTTTGACTTAACACTGCGGAAGTCACATTGGTTAAAGTGA-3'
Protein context (NP_996816.3, residues 2776-2796): LSQKVTHLIP[Phe2786Ser]TNYSVTIVAC

ClinVar aggregate classification (germline): Benign/Likely benign. Review status: criteria provided, multiple submitters, no conflicts (2 of 4 stars). 9 submissions from 8 submitters: Benign (2); Likely benign (5). 2 of the submissions do not count toward it. Last evaluated 2026-01-20.

Conditions:
USH2A-related disorder. Also called: USH2A-related condition; USH2A-related disorders. Identifiers: MedGen CN239332.
Usher syndrome type 2A. Also called: USHER SYNDROME, TYPE IIA; RETINAL DISEASE IN USHER SYNDROME TYPE IIA, MODIFIER OF. Identifiers: Orphanet 231178, Orphanet 886, MedGen C1848634, MONDO:0010169, OMIM 276901.
Retinitis pigmentosa 39 (RP39). Identifiers: Orphanet 791, MedGen C3151138, MONDO:0013436, OMIM 613809.

Allele frequency attached by ClinVar (database versions not stated): gnomAD 0.00027 and 0.00035; TOPMed 0.00030; 1000 Genomes Project 0.00040; gnomAD exomes 0.00042 and 0.00083; ESP Exome Variant Server 0.00046; 1000 Genomes Project 30x 0.00047; ExAC 0.00073.
gnomAD v4.1: 671 of 1,614,068 alleles (0.042%); highest among the groups gnomAD compares: South Asian, 0.39%; 5 homozygotes.

Submissions (9):

Labcorp Genetics (formerly Invitae), Labcorp
Classification: Benign. Last evaluated: 2026-01-20. Review status: criteria provided, single submitter. Criteria: Invitae Variant Classification Sherloc (09022015). Collection method: clinical testing. Allele origin: germline.

Blueprint Genetics
Classification: Likely benign. Last evaluated: 2024-10-23. Review status: criteria provided, single submitter. Criteria: ACMG Guidelines, 2015. Collection method: clinical testing. Allele origin: germline.

Genome-Nilou Lab
Classification: Likely benign for Retinitis pigmentosa 39. Last evaluated: 2023-11-04. Review status: criteria provided, single submitter. Criteria: ACMG Guidelines, 2015. Collection method: clinical testing. Allele origin: germline. Affected: no.

Genome-Nilou Lab
Classification: Likely benign for Usher syndrome type 2A. Last evaluated: 2023-11-04. Review status: criteria provided, single submitter. Criteria: ACMG Guidelines, 2015. Collection method: clinical testing. Allele origin: germline. Affected: no.

Women's Health and Genetics/Laboratory Corporation of America, LabCorp
Classification: Benign. Last evaluated: 2022-02-26. Review status: criteria provided, single submitter. Criteria: LabCorp Variant Classification Summary - May 2015. Collection method: clinical testing. Allele origin: germline.
Comment: Variant summary: USH2A c.8357T>C (p.Phe2786Ser) results in a non-conservative amino acid change located in the Fibronectin type III domain (IPR003961) of the encoded protein sequence. Three of five in-silico tools predict a benign effect of the variant on protein function. The variant allele was found at a frequency of 0.00083 in 251116 control chromosomes in the gnomAD database, including 2 homozygotes. Although reported in the literature, to our knowledge, no penetrant association of c.8357T>C in individuals affected with Usher Syndrome and no experimental evidence demonstrating its impact on protein function have been reported. Four clinical diagnostic laboratories have submitted clinical-significance assessments for this variant to ClinVar after 2014 without evidence for independent evaluation. All laboratories classified the variant as benign/likely benign. Based on the evidence outlined above, the variant was classified as benign.

GeneDx
Classification: Likely benign. Last evaluated: 2018-09-11. Review status: criteria provided, single submitter. Criteria: GeneDx Variant Classification Process June 2021. Collection method: clinical testing. Allele origin: germline. Affected: yes.
Comment: This variant is associated with the following publications: (PMID: 30245029, 20507924, 25262649)

Laboratory for Molecular Medicine, Mass General Brigham Personalized Medicine
Classification: Likely benign. Last evaluated: 2016-02-18. Review status: criteria provided, single submitter. Criteria: LMM Criteria. Collection method: clinical testing. Allele origin: germline. Observed: 3 variant alleles.
Comment: p.Phe2786Ser in exon 42 of USH2A: This variant is not expected to have clinical significance because it has been identified in 0.4% (59/16506) of South Asian c hromosomes by the Exome Aggregation Consortium (ExAC .org; dbSNP rs111033262).

PreventionGenetics, part of Exact Sciences
Classification: Likely benign for USH2A-related condition. Last evaluated: 2020-12-07. Review status: no assertion criteria provided. Collection method: clinical testing. Allele origin: germline. Not counted in ClinVar's aggregate classification.
Comment: This variant is classified as likely benign based on ACMG/AMP sequence variant interpretation guidelines (Richards et al. 2015 PMID: 25741868, with internal and published modifications).

Natera, Inc.
Classification: Likely benign for Usher syndrome type 2A. Last evaluated: 2020-02-13. Review status: no assertion criteria provided. Collection method: clinical testing. Allele origin: germline. Not counted in ClinVar's aggregate classification.

Literature cited by the submitters: PubMed 20507924 (cited by Laboratory for Molecular Medicine, Mass General Brigham Personalized Medicine); PubMed 25262649 (cited by Laboratory for Molecular Medicine, Mass General Brigham Personalized Medicine).